The following is an entry in ClinVar:

NC_000002.11:g.(?_29541160)_(29606735_?)dup

Genes: ALK (ALK receptor tyrosine kinase; minus strand), LOC122756683 (Sharpr-MPRA regulatory region 127; plus strand). Cytogenetic location: 2p23.2.
Variant type: Duplication.
Identifiers: ClinVar variation 651257 (VCV000651257.3).

ClinVar aggregate classification (germline): Uncertain significance (1 of 4 stars; one submission).

Conditions:
Neuroblastoma, susceptibility to, 3. Also called: ALK-Related Neuroblastic Tumor Susceptibility. Identifiers: Orphanet 635, MedGen C2751681, MONDO:0013083, OMIM 613014.

Submission:

Labcorp Genetics (formerly Invitae), Labcorp
Classification: Uncertain significance for Neuroblastoma, susceptibility to, 3. Last evaluated: 2022-07-16. Review status: criteria provided, single submitter. Criteria: Invitae Variant Classification Sherloc (09022015). Collection method: clinical testing. Allele origin: germline.
Comment: This variant has not been reported in the literature in individuals affected with ALK-related conditions. This variant results in a copy number gain of the genomic region encompassing exon(s) 5-8 of the ALK gene. While the exact position of this variant cannot be determined from the data, sub-genic copy number gains are generally in tandem (PMID: 25640679). This variant is predicted to be out-of-frame, and may result in an absent or disrupted protein product. However, the current clinical and genetic evidence is not sufficient to establish whether loss-of-function variants in ALK cause disease. Experimental studies and prediction algorithms are not available or were not evaluated, and the functional significance of this variant is currently unknown. In summary, the available evidence is currently insufficient to determine the role of this variant in disease. Therefore, it has been classified as a Variant of Uncertain Significance.

Literature cited by the submitters: PubMed 25640679.